The following is an entry in ClinVar:

ClinVar aggregate classification (germline): Likely benign. Review status: criteria provided, multiple submitters, no conflicts (2 of 4 stars). 3 submissions from 3 submitters: Likely benign (2). 1 of the submissions does not count toward it. Last evaluated 2025-11-25.

Conditions:
TNFRSF11A-related disorder. Also called: TNFRSF11A-related condition.

Allele frequency attached by ClinVar (database versions not stated): TOPMed below 0.00001; gnomAD 0.00001; ExAC 0.00002; gnomAD exomes 0.00002.
gnomAD v4.1: 35 of 1,611,368 alleles (0.0022%); highest among the groups gnomAD compares: Non-Finnish European, 0.003%; 1 homozygote.

Submissions (3):

Labcorp Genetics (formerly Invitae), Labcorp
Classification: Likely benign. Last evaluated: 2025-11-25. Review status: criteria provided, single submitter. Criteria: Invitae Variant Classification Sherloc (09022015). Collection method: clinical testing. Allele origin: germline.

Blueprint Genetics
Classification: Likely benign. Last evaluated: 2024-10-15. Review status: criteria provided, single submitter. Criteria: ACMG Guidelines, 2015. Collection method: clinical testing. Allele origin: germline.

PreventionGenetics, part of Exact Sciences
Classification: Likely benign for TNFRSF11A-related condition. Last evaluated: 2019-06-25. Review status: no assertion criteria provided. Collection method: clinical testing. Allele origin: germline. Not counted in ClinVar's aggregate classification.
Comment: This variant is classified as likely benign based on ACMG/AMP sequence variant interpretation guidelines (Richards et al. 2015 PMID: 25741868, with internal and published modifications).

NM_003839.4(TNFRSF11A):c.1461G>A (p.Thr487=)

Gene: TNFRSF11A (TNF receptor superfamily member 11a; plus strand). Cytogenetic location: 18q21.33.
Variant type: single nucleotide variant.
Coding change: c.1461G>A on transcript NM_003839.4 (MANE Select); coding-DNA position 1461, G replaced by A.
Protein change: p.Thr487=; no amino-acid change (threonine 487 retained).
Molecular consequence: synonymous variant. On other transcripts: intron variant (3).
Genome position (GRCh38, 1-based): chr18:62,369,378, G>A. VCF-style: chr18-62369378-G-A. GRCh37 (hg19) VCF-style: chr18-60036611-G-A.
Other names: c.1419G>A, p.Thr473= (NM_001278268.2); c.783+2618G>A (NM_001270949.2); c.730+7585G>A (NM_001270950.2); c.616+9329G>A (NM_001270951.2); c.1461G>A (NM_003839.3).
Identifiers: ClinVar variation 1618150 (VCV001618150.11), dbSNP rs753971282, ClinGen allele CA8983973.